The following is an entry in ClinVar:

ClinVar aggregate classification (germline): Uncertain significance (1 of 4 stars; one submission).

gnomAD v4.1: 2 of 1,613,944 alleles (0.00012%); highest among the groups gnomAD compares: Non-Finnish European, 0.00017%; no homozygotes.

Submission:

Labcorp Genetics (formerly Invitae), Labcorp
Classification: Uncertain significance. Last evaluated: 2023-05-29. Review status: criteria provided, single submitter. Criteria: Invitae Variant Classification Sherloc (09022015). Collection method: clinical testing. Allele origin: germline.
Comment: In summary, the available evidence is currently insufficient to determine the role of this variant in disease. Therefore, it has been classified as a Variant of Uncertain Significance. Advanced modeling of protein sequence and biophysical properties (such as structural, functional, and spatial information, amino acid conservation, physicochemical variation, residue mobility, and thermodynamic stability) has been performed at Invitae for this missense variant, however the output from this modeling did not meet the statistical confidence thresholds required to predict the impact of this variant on RTN4IP1 protein function. This variant has not been reported in the literature in individuals affected with RTN4IP1-related conditions. This variant is not present in population databases (gnomAD no frequency). This sequence change replaces leucine, which is neutral and non-polar, with valine, which is neutral and non-polar, at codon 155 of the RTN4IP1 protein (p.Leu155Val).

NM_032730.5(RTN4IP1):c.463C>G (p.Leu155Val)

Gene: RTN4IP1 (reticulon 4 interacting protein 1; minus strand). Cytogenetic location: 6q21.
Variant type: single nucleotide variant.
Coding change: c.463C>G on transcript NM_032730.5 (MANE Select); coding-DNA position 463, C replaced by G.
Protein change: p.Leu155Val; replaces leucine 155 with valine.
Molecular consequence: missense variant.
Genome position (GRCh38, 1-based): chr6:106,621,457, G>C on the plus strand (C>G on the coding strand, the complement: RTN4IP1 is on the minus strand). VCF-style: chr6-106621457-G-C. GRCh37 (hg19) VCF-style: chr6-107069332-G-C.
Other names: c.163C>G, p.Leu55Val (NM_001318746.1); short protein forms L155V, L55V.
Identifiers: ClinVar variation 2748595 (VCV002748595.3), dbSNP rs1226585429, ClinGen allele CA365165149.